The following is an entry in ClinVar:

NM_001349338.3(FOXP1):c.222GCA[4] (p.Gln77_Val78insGln)

Gene: FOXP1 (forkhead box P1; minus strand). Cytogenetic location: 3p13.
Variant type: Microsatellite.
Coding change: c.222GCA[4] on transcript NM_001349338.3 (MANE Select); four copies in a row of the 3-base unit GCA starting at c.222; the reference has three copies in a row; one copy, 3 bases duplicated.
Protein change: p.Gln77_Val78insGln.
Molecular consequence: inframe insertion. On other transcripts: 5 prime UTR variant (5), inframe indel (1), non-coding transcript variant (2).
Genome position (GRCh38, 1-based): chr3:71,112,588-71,112,590, TGC duplicated on the plus strand (GCA on the coding strand, the reverse complement: FOXP1 is on the minus strand); duplicating any 3 consecutive bases within chr3:71,112,588-71,112,598 gives the same sequence; the position shown is the placement nearest the transcript's 3' end. VCF-style (leftmost placement, unchanged base first): chr3-71112587-T-TTGC. GRCh37 (hg19) VCF-style: chr3-71161738-T-TTGC.
Other names: c.222GCA[4], p.Gln77_Val78insGln (NM_001244808.3, NM_001244810.2, NM_001244812.3 and 5 more transcripts); c.-79GCA[4] (NM_001244815.2, NM_001349337.2, NM_001349342.3 and 2 more transcripts); c.220_222CAG[4], p.Gln77_Val78insGln (NM_001349339.1).
Identifiers: ClinVar variation 1952048 (VCV001952048.5), dbSNP rs746026078, ClinGen allele CA2491306.

ClinVar aggregate classification (germline): Uncertain significance (1 of 4 stars; one submission).

Submission:

Labcorp Genetics (formerly Invitae), Labcorp
Classification: Uncertain significance. Last evaluated: 2022-07-05. Review status: criteria provided, single submitter. Criteria: Invitae Variant Classification Sherloc (09022015). Collection method: clinical testing. Allele origin: germline.
Comment: In summary, the available evidence is currently insufficient to determine the role of this variant in disease. Therefore, it has been classified as a Variant of Uncertain Significance. This variant has not been reported in the literature in individuals affected with FOXP1-related conditions. This variant is present in population databases (rs746026078, gnomAD 0.0009%). This variant, c.228_230dup, results in the insertion of 1 amino acid(s) of the FOXP1 protein (p.Gln77dup), but otherwise preserves the integrity of the reading frame.